The following is an entry in ClinVar:

NM_052813.5(CARD9):c.1264G>A (p.Val422Ile)

Gene: CARD9 (caspase recruitment domain family member 9; minus strand). Cytogenetic location: 9q34.3.
Variant type: single nucleotide variant.
Coding change: c.1264G>A on transcript NM_052813.5 (MANE Select); coding-DNA position 1264, G replaced by A.
Protein change: p.Val422Ile; replaces valine 422 with isoleucine.
Molecular consequence: missense variant.
Genome position (GRCh38, 1-based): chr9:136,367,642, C>T on the plus strand (G>A on the coding strand, the complement: CARD9 is on the minus strand). VCF-style: chr9-136367642-C-T. GRCh37 (hg19) VCF-style: chr9-139262094-C-T.
Other names: c.1264G>A, p.Val422Ile (NM_052814.4); short protein forms V422I.
Identifiers: ClinVar variation 1006312 (VCV001006312.9), dbSNP rs374295826, ClinGen allele CA5332780.

ClinVar aggregate classification (germline): Uncertain significance. Review status: criteria provided, multiple submitters, no conflicts (2 of 4 stars). 2 submissions from 2 submitters: Uncertain significance (2). Last evaluated 2022-11-01.

Conditions:
Predisposition to invasive fungal disease due to CARD9 deficiency (IMD103). Also called: IMMUNODEFICIENCY 103, SUSCEPTIBILITY TO FUNGAL INFECTIONS; Candidiasis, familial, 2, autosomal recessive; CARD9 IMMUNODEFICIENCY. Identifiers: Orphanet 457088, MedGen C1859353, MONDO:0008905, OMIM 212050.

Allele frequency attached by ClinVar (database versions not stated): gnomAD exomes 0.00001 and 0.00003; TOPMed 0.00002; gnomAD 0.00003; ExAC 0.00007; ESP Exome Variant Server 0.00008.
gnomAD v4.1: 19 of 1,584,310 alleles (0.0012%); highest among the groups gnomAD compares: African/African-American, 0.0054%; no homozygotes.

Submissions (2):

Labcorp Genetics (formerly Invitae), Labcorp
Classification: Uncertain significance for Predisposition to invasive fungal disease due to CARD9 deficiency. Last evaluated: 2022-11-01. Review status: criteria provided, single submitter. Criteria: Invitae Variant Classification Sherloc (09022015). Collection method: clinical testing. Allele origin: germline.
Comment: In summary, the available evidence is currently insufficient to determine the role of this variant in disease. Therefore, it has been classified as a Variant of Uncertain Significance. Advanced modeling of protein sequence and biophysical properties (such as structural, functional, and spatial information, amino acid conservation, physicochemical variation, residue mobility, and thermodynamic stability) performed at Invitae indicates that this missense variant is not expected to disrupt CARD9 protein function. ClinVar contains an entry for this variant (Variation ID: 1006312). This variant has not been reported in the literature in individuals affected with CARD9-related conditions. This variant is present in population databases (rs374295826, gnomAD 0.01%). This sequence change replaces valine, which is neutral and non-polar, with isoleucine, which is neutral and non-polar, at codon 422 of the CARD9 protein (p.Val422Ile).

Blueprint Genetics
Classification: Uncertain significance. Last evaluated: 2020-11-02. Review status: criteria provided, single submitter. Criteria: ACMG Guidelines, 2015. Collection method: clinical testing. Allele origin: germline.